The following is an entry in ClinVar:

ClinVar aggregate classification (germline): Likely pathogenic. Review status: reviewed by expert panel (3 of 4 stars). 2 submissions from 2 submitters: Likely pathogenic (1). 1 of the submissions does not count toward it. Last evaluated 2024-09-05.

Conditions:
Glanzmann thrombasthenia. Also called: BLEEDING DISORDER, PLATELET-TYPE, 2; THROMBASTHENIA OF GLANZMANN AND NAEGELI; PLATELET GLYCOPROTEIN IIb-IIIa DEFICIENCY; Glanzmann's thrombasthenia; Thrombasthenia. Identifiers: Orphanet 849, MedGen C0040015, MONDO:0100326.

gnomAD v4.1: 5 of 1,613,344 alleles (0.00031%); highest among the groups gnomAD compares: South Asian, 0.0044%; no homozygotes.

Submissions (2):

ClinGen Platelet Disorders Variant Curation Expert Panel, ClinGen
Classification: Likely pathogenic for Glanzmann thrombasthenia. Last evaluated: 2024-09-05. Review status: reviewed by expert panel. Criteria: ClinGen Platelet ACMG Specifications v2-1. Collection method: curation. Allele origin: germline. Inheritance: Autosomal recessive inheritance.
Comment: A second homozygous individual has also been reported (PM3; PMID: 32089034). The variant is reported in gnomADv4.1 at a frequency of 0.00004392 (4/91080 alleles) in the South Asian population, which is lower than the ClinGen PD VCEP threshold (<0.0001; PM2_Supporting). In summary, based on the available evidence at this time, the variant is classified as likely pathogenic for GT. GT-specific criteria applied: PM2_Supporting, PM3, PP1, and PP4_Moderate.

Labcorp Genetics (formerly Invitae), Labcorp
Classification: Uncertain significance for Glanzmann thrombasthenia. Last evaluated: 2023-09-27. Review status: criteria provided, single submitter. Criteria: Invitae Variant Classification Sherloc (09022015). Collection method: clinical testing. Allele origin: germline. Not counted in ClinVar's aggregate classification.
Comment: In summary, the available evidence is currently insufficient to determine the role of this variant in disease. Therefore, it has been classified as a Variant of Uncertain Significance. An algorithm developed to predict the effect of missense changes on protein structure and function (PolyPhen-2) suggests that this variant is likely to be tolerated. ClinVar contains an entry for this variant (Variation ID: 953005). This missense change has been observed in individuals with Glanzmann thrombasthenia (PMID: 32089034; Invitae). This variant is present in population databases (rs531610168, gnomAD 0.003%). This sequence change replaces alanine, which is neutral and non-polar, with proline, which is neutral and non-polar, at codon 297 of the ITGA2B protein (p.Ala297Pro).

Literature cited by the submitters: PubMed 32089034 (cited by Labcorp Genetics (formerly Invitae), Labcorp).

NM_000419.5(ITGA2B):c.889G>C (p.Ala297Pro)

Gene: ITGA2B (integrin subunit alpha 2b; minus strand). Cytogenetic location: 17q21.31.
Variant type: single nucleotide variant.
Coding change: c.889G>C on transcript NM_000419.5 (MANE Select); coding-DNA position 889, G replaced by C.
Protein change: p.Ala297Pro; replaces alanine 297 with proline.
Molecular consequence: missense variant.
Genome position (GRCh38, 1-based): chr17:44,384,313, C>G on the plus strand (G>C on the coding strand, the complement: ITGA2B is on the minus strand). VCF-style: chr17-44384313-C-G. GRCh37 (hg19) VCF-style: chr17-42461681-C-G.
Other names: short protein forms A297P.
Identifiers: ClinVar variation 953005 (VCV000953005.8), dbSNP rs531610168, ClinGen allele CA8603305.